The following is an entry in ClinVar:

NM_015102.5(NPHP4):c.3325C>T (p.Arg1109Ter)

Gene: NPHP4 (nephrocystin 4; minus strand). Cytogenetic location: 1p36.31.
Variant type: single nucleotide variant.
Coding change: c.3325C>T on transcript NM_015102.5 (MANE Select); coding-DNA position 3325, C replaced by T.
Protein change: p.Arg1109Ter; replaces arginine 1109 with a stop codon.
Molecular consequence: nonsense. On other transcripts: non-coding transcript variant (1).
Genome position (GRCh38, 1-based): chr1:5,867,887, G>A on the plus strand (C>T on the coding strand, the complement: NPHP4 is on the minus strand). VCF-style: chr1-5867887-G-A. GRCh37 (hg19) VCF-style: chr1-5927947-G-A.
Other names: p.Arg1109X; c.1786C>T, p.Arg596Ter (NM_001291593.2); c.1789C>T, p.Arg597Ter (NM_001291594.2); short protein forms R1109*, R596*, R597*.
Identifiers: ClinVar variation 639470 (VCV000639470.11), dbSNP rs758275952, ClinGen allele CA553657.

ClinVar aggregate classification (germline): Pathogenic/Likely pathogenic. Review status: criteria provided, multiple submitters, no conflicts (2 of 4 stars). 6 submissions from 6 submitters: Pathogenic (4); Likely pathogenic (2). Last evaluated 2025-08-25.

Conditions:
NPHP4-related disorder. Also called: NPHP4-related condition; NPHP4-related disorders. Identifiers: MedGen CN239384.
Nephronophthisis 4 (NPHP4). Also called: NEPHRONOPHTHISIS 4, JUVENILE. Identifiers: Orphanet 655, MedGen C1847013, MONDO:0011752, OMIM 606966.
Senior-Loken syndrome 4 (SLSN4). Identifiers: Orphanet 3156, MedGen C1846979, MONDO:0011756, OMIM 606996.
Nephronophthisis. Also called: Juvenile Nephronophthisis. Identifiers: Orphanet 655, MedGen C0687120, MONDO:0019005, HP:0000090.

Allele frequency attached by ClinVar (database versions not stated): ExAC 0.00001; gnomAD exomes 0.00001; TOPMed 0.00002; gnomAD 0.00003.
gnomAD v4.1: 21 of 1,613,852 alleles (0.0013%); highest among the groups gnomAD compares: African/African-American, 0.0027%; no homozygotes.

Submissions (6):

PreventionGenetics, part of Exact Sciences
Classification: Likely pathogenic for NPHP4-related condition. Last evaluated: 2025-08-25. Review status: criteria provided, single submitter. Criteria: ACMG Guidelines, 2015. Collection method: clinical testing. Allele origin: germline.
Comment: The NPHP4 c.3325C>T variant is predicted to result in premature protein termination (p.Arg1109*). This variant has been reported in the homozygous state in an individual with retinal disease (Table S1, Hayman et al. 2024. PubMed ID: 37798099). This variant is present in 0.0027% of alleles in individuals of European (Non-Finnish) descent in gnomAD. Nonsense variants in NPHP4 are an established mechanism of disease. This variant is interpreted as likely pathogenic.

3billion
Classification: Pathogenic for Senior-Loken syndrome 4. Last evaluated: 2025-07-09. Review status: criteria provided, single submitter. Criteria: ACMG Guidelines, 2015. Collection method: clinical testing. Allele origin: germline. Affected: yes.
Comment: The variant is observed at an extremely low frequency in the gnomAD v4.1.0 dataset (total allele frequency: 0.001%). Predicted Consequence/Location: Stop-gained (nonsense): predicted to result in a loss or disruption of normal protein function through nonsense-mediated decay (NMD) or protein truncation. Multiple pathogenic variants are reported downstream of the variant. The variant has been reported at least twice as pathogenic without evidence for the classification (ClinVar ID: VCV000639470 /PMID: 37798099 /3billion dataset). Therefore, this variant is classified as Pathogenic according to the recommendation of ACMG/AMP guideline.

GeneDx
Classification: Pathogenic. Last evaluated: 2025-05-21. Review status: criteria provided, single submitter. Criteria: GeneDx Variant Classification Process June 2021. Collection method: clinical testing. Allele origin: germline. Affected: yes.
Comment: Nonsense variant predicted to result in protein truncation or nonsense mediated decay in a gene for which loss of function is a known mechanism of disease; Not observed at significant frequency in large population cohorts (gnomAD); This variant is associated with the following publications: (PMID: 37850020, 37798099)

Fulgent Genetics
Classification: Likely pathogenic for Nephronophthisis 4; Senior-Loken syndrome 4. Last evaluated: 2024-04-06. Review status: criteria provided, single submitter. Criteria: ACMG Guidelines, 2015. Collection method: clinical testing. Allele origin: germline.

Labcorp Genetics (formerly Invitae), Labcorp
Classification: Pathogenic for Nephronophthisis. Last evaluated: 2022-08-21. Review status: criteria provided, single submitter. Criteria: Invitae Variant Classification Sherloc (09022015). Collection method: clinical testing. Allele origin: germline.
Comment: For these reasons, this variant has been classified as Pathogenic. ClinVar contains an entry for this variant (Variation ID: 639470). This premature translational stop signal has been observed in individual(s) with NPHP4-related chronic kidney disease (Invitae). It has also been observed to segregate with disease in related individuals. This variant is present in population databases (rs758275952, gnomAD 0.002%). This sequence change creates a premature translational stop signal (p.Arg1109*) in the NPHP4 gene. It is expected to result in an absent or disrupted protein product. Loss-of-function variants in NPHP4 are known to be pathogenic (PMID: 12205563, 23559409).

Molecular Diagnostics Laboratory, M Health Fairview: University of Minnesota
Classification: Pathogenic for Nephronophthisis 4. Last evaluated: 2021-08-12. Review status: criteria provided, single submitter. Criteria: ACMG Guidelines, 2015. Collection method: clinical testing. Allele origin: germline. Affected: yes.

Literature cited by the submitters: PubMed 37798099 (cited by 3billion); PubMed 12205563 (cited by Labcorp Genetics (formerly Invitae), Labcorp); PubMed 23559409 (cited by Labcorp Genetics (formerly Invitae), Labcorp).